The following is an entry in ClinVar:

ClinVar aggregate classification (germline): Uncertain significance (1 of 4 stars; one submission).

Conditions:
Hearing impairment. Also called: Impaired Hearing. Identifiers: MedGen C1384666, MONDO:0005365, HP:0000365.

Submission:

Department of Otolaryngology – Head & Neck Surgery, Cochlear Implant Center
Classification: Uncertain significance for Hearing impairment. Last evaluated: 2021-04-12. Review status: criteria provided, single submitter. Criteria: ClinGen HL ACMG Specifications v1. Collection method: clinical testing. Allele origin: germline. Affected: yes.
Comment: PM2_Moderate, PP3_Supporting

NM_032119.4(ADGRV1):c.17333T>C (p.Leu5778Pro)

Gene: ADGRV1 (adhesion G protein-coupled receptor V1; plus strand). Cytogenetic location: 5q14.3.
Variant type: single nucleotide variant.
Coding change: c.17333T>C on transcript NM_032119.4 (MANE Select); coding-DNA position 17333, T replaced by C.
Protein change: p.Leu5778Pro; replaces leucine 5778 with proline.
Molecular consequence: missense variant. On other transcripts: non-coding transcript variant (1).
Genome position (GRCh38, 1-based): chr5:90,853,412, T>C. VCF-style: chr5-90853412-T-C. GRCh37 (hg19) VCF-style: chr5-90149229-T-C.
Other names: short protein forms L5778P.
Identifiers: ClinVar variation 1065035 (VCV001065035.3), dbSNP rs2150406842, ClinGen allele CA360430125.